The following continues an entry in ClinVar:

NM_007294.4(BRCA1):c.929del (p.Gln310fs)

Gene: BRCA1. ClinVar aggregate classification (germline): Pathogenic. Pathogenic (1).

Submissions 10 to 16 of 16:

Quest Diagnostics Nichols Institute San Juan Capistrano
Classification: Pathogenic. Last evaluated: 2021-03-10. Review status: criteria provided, single submitter. Criteria: Quest Diagnostics criteria. Collection method: clinical testing. Allele origin: unknown. Not counted in ClinVar's aggregate classification.
Comment: This frameshift variant causes the premature termination of BRCA1 protein synthesis. In addition, it has been reported in individuals and families affected with breast and/or ovarian cancer in the published literature (PMIDs: 8533757 (1995), 9145677 (1997), 21324516 (2011), and 24728189 (2014)). The frequency of this variant in the general population is consistent with pathogenicity. Based on the available information, this variant is classified as pathogenic.

Color Diagnostics, LLC DBA Color Health
Classification: Pathogenic for Hereditary cancer-predisposing syndrome. Last evaluated: 2020-01-15. Review status: criteria provided, single submitter. Criteria: ACMG Guidelines, 2015. Collection method: clinical testing. Allele origin: germline. Not counted in ClinVar's aggregate classification.
Comment: This variant deletes 1 nucleotide in exon 10 of the BRCA1 gene, creating a frameshift and premature translation stop signal. This variant is expected to result in an absent or non-functional protein product. This variant has been identified in 1/251372 chromosomes in the general population by the Genome Aggregation Database (gnomAD). Loss of BRCA1 function is a known mechanism of disease. Based on the available evidence, this variant is classified as Pathogenic.

Consortium of Investigators of Modifiers of BRCA1/2 (CIMBA), c/o University of Cambridge
Classification: Pathogenic for Breast-ovarian cancer, familial, susceptibility to, 1. Last evaluated: 2015-10-02. Review status: criteria provided, single submitter. Criteria: CIMBA Mutation Classification guidelines May 2016. Collection method: clinical testing. Allele origin: germline. Not counted in ClinVar's aggregate classification.

Department of Medical Genetics, Oslo University Hospital
Classification: Pathogenic for Breast-ovarian cancer, familial, susceptibility to, 1. Last evaluated: 2015-07-01. Review status: criteria provided, single submitter. Criteria: ACMG Guidelines, 2015. Collection method: clinical testing. Allele origin: germline. Affected: yes. Observed: 3 variant alleles. Not counted in ClinVar's aggregate classification.

Research Molecular Genetics Laboratory, Women's College Hospital, University of Toronto
Classification: Pathogenic for Hereditary breast ovarian cancer syndrome. Last evaluated: 2014-01-31. Review status: no assertion criteria provided. Collection method: research. Allele origin: germline. Affected: yes. Study: The Canadian Open Genetics Repository (COGR). Not counted in ClinVar's aggregate classification.

Sharing Clinical Reports Project (SCRP)
Classification: Pathogenic for Breast-ovarian cancer, familial 1. Last evaluated: 2012-09-10. Review status: no assertion criteria provided. Collection method: clinical testing. Allele origin: germline. Not counted in ClinVar's aggregate classification.

Breast Cancer Information Core (BIC) (BRCA1)
Classification: Pathogenic for Breast-ovarian cancer, familial 1. Last evaluated: 2002-05-29. Review status: no assertion criteria provided. Collection method: clinical testing. Allele origin: germline. Affected: yes. Observed: 7 variant alleles. Not counted in ClinVar's aggregate classification.

Literature cited by the submitters: PubMed 20104584 (cited by Labcorp Genetics (formerly Invitae), Labcorp); PubMed 8533757 (cited by 3 submitters); PubMed 9145677 (cited by 3 submitters); PubMed 21324516 (cited by 3 submitters); PubMed 29446198 (cited by Labcorp Genetics (formerly Invitae), Labcorp and Ambry Genetics); PubMed 15039599 (cited by Ambry Genetics); PubMed 22776961 (cited by Ambry Genetics); PubMed 24728189 (cited by 3 submitters); PubMed 25036526 (cited by Ambry Genetics); PubMed 29339979 (cited by Ambry Genetics and Women's Health and Genetics/Laboratory Corporation of America, LabCorp).